The following is an entry in ClinVar:

NM_004369.4(COL6A3):c.7766-263C>T

Gene: COL6A3 (collagen type VI alpha 3 chain; minus strand). Cytogenetic location: 2q37.3.
Variant type: single nucleotide variant.
Coding change: c.7766-263C>T on transcript NM_004369.4 (MANE Select); 263 bases into the intron before coding-DNA position 7766, C replaced by T.
Molecular consequence: intron variant.
Genome position (GRCh38, 1-based): chr2:237,341,413, G>A on the plus strand (C>T on the coding strand, the complement: COL6A3 is on the minus strand). VCF-style: chr2-237341413-G-A. GRCh37 (hg19) VCF-style: chr2-238250056-G-A.
Other names: c.5945-263C>T (NM_057166.5); c.7148-263C>T (NM_057167.4).
Identifiers: ClinVar variation 671311 (VCV000671311.1), dbSNP rs111439101, ClinGen allele CA67836506.

ClinVar aggregate classification (germline): Benign (1 of 4 stars; one submission).

Allele frequency attached by ClinVar (database versions not stated): 1000 Genomes Project 30x 0.04185; 1000 Genomes Project 0.04313; TOPMed 0.06459; gnomAD 0.06629.
gnomAD v4.1: 10,412 of 151,928 alleles (6.9%); highest among the groups gnomAD compares: Non-Finnish European, 10%; 473 homozygotes.

Submission:

GeneDx
Classification: Benign. Last evaluated: 2018-06-16. Review status: criteria provided, single submitter. Criteria: GeneDx Variant Classification (06012015). Collection method: clinical testing. Allele origin: germline. Affected: yes.
Comment: This variant is considered likely benign or benign based on one or more of the following criteria: it is a conservative change, it occurs at a poorly conserved position in the protein, it is predicted to be benign by multiple in silico algorithms, and/or has population frequency not consistent with disease.